The following is an entry in ClinVar:

ClinVar aggregate classification (germline): Benign/Likely benign. Review status: criteria provided, multiple submitters, no conflicts (2 of 4 stars). 4 submissions from 4 submitters: Benign (1); Likely benign (2). 1 of the submissions does not count toward it. Last evaluated 2026-01-19.

Conditions:
EPRS1-related disorder. Also called: EPRS1-related condition.

Allele frequency attached by ClinVar (database versions not stated): gnomAD exomes 0.00196 and 0.00264; 1000 Genomes Project 0.00200; 1000 Genomes Project 30x 0.00203; ExAC 0.00270; gnomAD 0.00293 and 0.00299; ESP Exome Variant Server 0.00331; TOPMed 0.00354.
gnomAD v4.1: 3,404 of 1,613,774 alleles (0.21%); highest among the groups gnomAD compares: Middle Eastern, 1.4%; 13 homozygotes.

Submissions (4):

Labcorp Genetics (formerly Invitae), Labcorp
Classification: Benign. Last evaluated: 2026-01-19. Review status: criteria provided, single submitter. Criteria: Invitae Variant Classification Sherloc (09022015). Collection method: clinical testing. Allele origin: germline.

CeGaT Center for Human Genetics Tuebingen
Classification: Likely benign. Last evaluated: 2025-12-01. Review status: criteria provided, single submitter. Criteria: CeGaT Center For Human Genetics Tuebingen Variant Classification Criteria Version 2. Collection method: clinical testing. Allele origin: germline. Affected: yes. Observed: 8 variant alleles.
Comment: EPRS1: BP4, BP7

Breakthrough Genomics
Classification: Likely benign. Review status: criteria provided, single submitter. Criteria: ACMG Guidelines, 2015. Collection method: not provided. Allele origin: germline. Inheritance: Autosomal recessive inheritance. Affected: yes.

PreventionGenetics, part of Exact Sciences
Classification: Likely benign for EPRS1-related condition. Last evaluated: 2019-12-02. Review status: no assertion criteria provided. Collection method: clinical testing. Allele origin: germline. Not counted in ClinVar's aggregate classification.
Comment: This variant is classified as likely benign based on ACMG/AMP sequence variant interpretation guidelines (Richards et al. 2015 PMID: 25741868, with internal and published modifications).

NM_004446.3(EPRS1):c.1638T>C (p.Tyr546=)

Gene: EPRS1 (glutamyl-prolyl-tRNA synthetase 1; minus strand). Cytogenetic location: 1q41.
Variant type: single nucleotide variant.
Coding change: c.1638T>C on transcript NM_004446.3 (MANE Select); coding-DNA position 1638, T replaced by C.
Protein change: p.Tyr546=; no amino-acid change (tyrosine 546 retained).
Molecular consequence: synonymous variant.
Genome position (GRCh38, 1-based): chr1:220,007,306, A>G on the plus strand (T>C on the coding strand, the complement: EPRS1 is on the minus strand). VCF-style: chr1-220007306-A-G. GRCh37 (hg19) VCF-style: chr1-220180648-A-G.
Other names: c.1638T>C (NM_004446.2).
Identifiers: ClinVar variation 1167769 (VCV001167769.45), dbSNP rs148863776, ClinGen allele CA1400213.